The following is an entry in ClinVar:

ClinVar aggregate classification (germline): Pathogenic (1 of 4 stars; one submission).

Submission:

Labcorp Genetics (formerly Invitae), Labcorp
Classification: Pathogenic. Last evaluated: 2022-10-03. Review status: criteria provided, single submitter. Criteria: Invitae Variant Classification Sherloc (09022015). Collection method: clinical testing. Allele origin: germline.
Comment: Variants that disrupt the consensus splice site are a relatively common cause of aberrant splicing (PMID: 17576681, 9536098). This variant has not been reported in the literature in individuals affected with GNAS-related conditions. This variant results in the deletion of exons 12-13 and part of exon 11 (c.913_*2109del) of the GNAS gene. While this variant is not anticipated to result in nonsense mediated decay, it likely alters RNA splicing and results in a disrupted protein product. This variant disrupts a region of the GNAS protein in which other variant(s) (p.Arg336) have been determined to be pathogenic (PMID: 11600516, 23281139, 29059381, 31886927). This suggests that this is a clinically significant region of the protein, and that variants that disrupt it are likely to be disease-causing. For these reasons, this variant has been classified as Pathogenic.

Literature cited by the submitters: PubMed 17576681; PubMed 9536098; PubMed 11600516; PubMed 23281139; PubMed 29059381; PubMed 31886927.

NC_000020.10:g.(?_57485079)_(57487993_?)del

Gene: GNAS (GNAS complex locus; plus strand). Cytogenetic location: 20q13.32.
Variant type: Deletion.
Identifiers: ClinVar variation 2423189 (VCV002423189.4).